The following is an entry in ClinVar:

NM_004281.4(BAG3):c.909+16C>T

Gene: BAG3 (BAG cochaperone 3; plus strand). Cytogenetic location: 10q26.11.
Variant type: single nucleotide variant.
Coding change: c.909+16C>T on transcript NM_004281.4 (MANE Select); 16 bases into the intron after coding-DNA position 909, C replaced by T.
Molecular consequence: intron variant.
Genome position (GRCh38, 1-based): chr10:119,672,672, C>T. VCF-style: chr10-119672672-C-T. GRCh37 (hg19) VCF-style: chr10-121432184-C-T.
Identifiers: ClinVar variation 682411 (VCV000682411.10), dbSNP rs538411146, ClinGen allele CA5716437.

ClinVar aggregate classification (germline): Likely benign. Review status: criteria provided, multiple submitters, no conflicts (2 of 4 stars). 3 submissions from 3 submitters: Likely benign (3). Last evaluated 2025-12-29.

Conditions:
Myofibrillar myopathy 6. Identifiers: Orphanet 199340, MedGen C2751831, MONDO:0013061, OMIM 612954.
Dilated cardiomyopathy 1HH (CMD1HH). Identifiers: Orphanet 154, MedGen C3151293, MONDO:0013479, OMIM 613881.

Allele frequency attached by ClinVar (database versions not stated): gnomAD exomes 0.00002 and 0.00004; ExAC 0.00004; gnomAD 0.00011; TOPMed 0.00020; 1000 Genomes Project 30x 0.00031; 1000 Genomes Project 0.00040.
gnomAD v4.1: 46 of 1,610,482 alleles (0.0029%); highest among the groups gnomAD compares: African/African-American, 0.044%; no homozygotes.

Submissions (3):

Labcorp Genetics (formerly Invitae), Labcorp
Classification: Likely benign for Dilated cardiomyopathy 1HH; Myofibrillar myopathy 6. Last evaluated: 2025-12-29. Review status: criteria provided, single submitter. Criteria: Invitae Variant Classification Sherloc (09022015). Collection method: clinical testing. Allele origin: germline.

Blueprint Genetics
Classification: Likely benign. Last evaluated: 2021-06-04. Review status: criteria provided, single submitter. Criteria: ACMG Guidelines, 2015. Collection method: clinical testing. Allele origin: germline.

GeneDx
Classification: Likely benign. Last evaluated: 2018-04-30. Review status: criteria provided, single submitter. Criteria: GeneDx Variant Classification (06012015). Collection method: clinical testing. Allele origin: germline. Affected: yes.
Comment: This variant is considered likely benign or benign based on one or more of the following criteria: it is a conservative change, it occurs at a poorly conserved position in the protein, it is predicted to be benign by multiple in silico algorithms, and/or has population frequency not consistent with disease.